The following is an entry in ClinVar:

ClinVar aggregate classification (germline): Benign/Likely benign. Review status: criteria provided, multiple submitters, no conflicts (2 of 4 stars). 4 submissions from 4 submitters: Benign (2); Likely benign (2). Last evaluated 2019-02-04.

Conditions:
Autosomal recessive nonsyndromic hearing loss 16. Also called: DFNB16 Nonsyndromic Hearing Loss and Deafness; DEAFNESS, AUTOSOMAL RECESSIVE 16. Identifiers: Orphanet 90636, MedGen C1863561, MONDO:0011364, OMIM 603720.

Allele frequency attached by ClinVar (database versions not stated): 1000 Genomes Project 30x 0.01171; ExAC 0.00107; gnomAD 0.01144 and 0.01055; gnomAD exomes 0.00108; TOPMed 0.01177.
gnomAD v4.1: 2,219 of 1,612,488 alleles (0.14%); highest among the groups gnomAD compares: African/African-American, 2.7%; 53 homozygotes.

Submissions (4):

GeneDx
Classification: Likely benign. Last evaluated: 2019-02-04. Review status: criteria provided, single submitter. Criteria: GeneDx Variant Classification Process June 2021. Collection method: clinical testing. Allele origin: germline. Affected: yes.

Center for Pediatric Genomic Medicine, Children's Mercy Hospital and Clinics
Classification: Likely benign. Last evaluated: 2017-04-11. Review status: criteria provided, single submitter. Criteria: ACMG Guidelines, 2015. Collection method: clinical testing. Allele origin: germline.

Laboratory for Molecular Medicine, Mass General Brigham Personalized Medicine
Classification: Benign. Last evaluated: 2016-11-19. Review status: criteria provided, single submitter. Criteria: LMM Criteria. Collection method: clinical testing. Allele origin: germline. Observed: 5 variant alleles.
Comment: c.4127+8C>T in intron 20 of STRC: This variant is not expected to have clinical significance because it is not located within the splice consensus sequence and it has been identified in 1.2% (117/9752) of African chromosomes by the Exome A ggregation Consortium (ExAC; dbSNP rs2470137).

Genome-Nilou Lab
Classification: Benign for Autosomal recessive nonsyndromic hearing loss 16. Review status: criteria provided, single submitter. Criteria: ACMG Guidelines, 2015. Collection method: clinical testing. Allele origin: germline.

NM_153700.2(STRC):c.4127+8C>T

Gene: STRC (stereocilin; minus strand). Cytogenetic location: 15q15.3.
Variant type: single nucleotide variant.
Coding change: c.4127+8C>T on transcript NM_153700.2 (MANE Select); 8 bases into the intron after coding-DNA position 4127, C replaced by T.
Molecular consequence: intron variant.
Genome position (GRCh38, 1-based): chr15:43,604,642, G>A on the plus strand (C>T on the coding strand, the complement: STRC is on the minus strand). VCF-style: chr15-43604642-G-A. GRCh37 (hg19) VCF-style: chr15-43896840-G-A.
Identifiers: ClinVar variation 445408 (VCV000445408.9), dbSNP rs2470137, ClinGen allele CA7528147.